The following is an entry in ClinVar:

ClinVar aggregate classification (germline): Conflicting classifications of pathogenicity. Review status: criteria provided, conflicting classifications (1 of 4 stars). 4 submissions from 4 submitters: Likely pathogenic (2); Uncertain significance (2). Last evaluated 2024-02-03.

Conditions:
Primary ciliary dyskinesia. Also called: Ciliary dyskinesia. Identifiers: Orphanet 244, MedGen C0008780, MONDO:0016575, HP:0012265.
Primary ciliary dyskinesia 14. Also called: CILIARY DYSKINESIA, PRIMARY, 14, WITH OR WITHOUT SITUS INVERSUS. Identifiers: Orphanet 244, MedGen C3151136, MONDO:0013434, OMIM 613807.

Allele frequency attached by ClinVar (database versions not stated): gnomAD 0.00004; TOPMed 0.00008.

Submissions (4):

Fulgent Genetics
Classification: Likely pathogenic for Primary ciliary dyskinesia 14. Last evaluated: 2024-02-03. Review status: criteria provided, single submitter. Criteria: ACMG Guidelines, 2015. Collection method: clinical testing. Allele origin: germline.

GeneDx
Classification: Uncertain significance. Last evaluated: 2023-11-16. Review status: criteria provided, single submitter. Criteria: GeneDx Variant Classification Process June 2021. Collection method: clinical testing. Allele origin: germline. Affected: yes.
Comment: Initiation codon variant in a gene for which loss of function is a known mechanism of disease; Has not been previously published as pathogenic or benign to our knowledge

Labcorp Genetics (formerly Invitae), Labcorp
Classification: Uncertain significance for Primary ciliary dyskinesia. Last evaluated: 2021-09-02. Review status: criteria provided, single submitter. Criteria: Invitae Variant Classification Sherloc (09022015). Collection method: clinical testing. Allele origin: germline.
Comment: This sequence change affects the initiator methionine of the CCDC39 mRNA. The next in-frame methionine is located at codon 55. This variant is present in population databases (rs758493174, ExAC 0.01%). This variant has not been reported in the literature in individuals affected with CCDC39-related conditions. In summary, the available evidence is currently insufficient to determine the role of this variant in disease. Therefore, it has been classified as a Variant of Uncertain Significance.

Ambry Genetics
Classification: Likely pathogenic for Primary ciliary dyskinesia. Last evaluated: 2017-10-02. Review status: criteria provided, single submitter. Criteria: Ambry Variant Classification Scheme 2023. Collection method: clinical testing. Allele origin: germline.
Comment: The p.M1? variant (also known as c.2T>C) is located in coding exon 1 of the CCDC39 gene and results from a T to C substitution at nucleotide position 2. This alters the methionine residue at the initiation codon. Since sequence variations that modify the initiation codon (ATG) are expected to result in either loss of translation initiation, N-terminal truncation, or cause a shift in the mRNA reading frame, this alteration is interpreted as likely pathogenic.

NM_181426.2(CCDC39):c.2T>C (p.Met1Thr)

Gene: CCDC39 (coiled-coil domain 39 molecular ruler complex subunit; minus strand). Cytogenetic location: 3q26.33.
Variant type: single nucleotide variant.
Coding change: c.2T>C on transcript NM_181426.2 (MANE Select); coding-DNA position 2, T replaced by C.
Protein change: p.Met1Thr; changes the start codon (methionine 1).
Molecular consequence: missense variant, initiator codon variant.
Genome position (GRCh38, 1-based): chr3:180,679,379, A>G on the plus strand (T>C on the coding strand, the complement: CCDC39 is on the minus strand). VCF-style: chr3-180679379-A-G. GRCh37 (hg19) VCF-style: chr3-180397167-A-G.
Other names: short protein forms M1T.
Identifiers: ClinVar variation 835336 (VCV000835336.13), dbSNP rs758493174, ClinGen allele CA2716280.